The following is an entry in ClinVar:

NM_001034853.2(RPGR):c.2426A>T (p.Glu809Val)

Gene: RPGR (retinitis pigmentosa GTPase regulator; minus strand). Cytogenetic location: Xp11.4.
Variant type: single nucleotide variant.
Coding change: c.2426A>T on transcript NM_001034853.2 (MANE Select); coding-DNA position 2426, A replaced by T.
Protein change: p.Glu809Val; replaces glutamic acid 809 with valine.
Molecular consequence: missense variant. On other transcripts: intron variant (8).
Genome position (GRCh38, 1-based): chrX:38,286,573, T>A on the plus strand (A>T on the coding strand, the complement: RPGR is on the minus strand). VCF-style: chrX-38286573-T-A. GRCh37 (hg19) VCF-style: chrX-38145826-T-A.
Other names: c.1569+4386A>T (NM_001367249.1, NM_001367250.1); c.1902+521A>T (NM_001367245.1); c.1386+4386A>T (NM_001367251.1); c.1719+521A>T (NM_001367246.1); c.1572+4386A>T (NM_001367247.1); c.1905+521A>T (NM_000328.3); c.1602+4386A>T (NM_001367248.1); short protein forms E809V.
Identifiers: ClinVar variation 2579092 (VCV002579092.25), dbSNP rs2519791084, ClinGen allele CA412730665.

ClinVar aggregate classification (germline): Uncertain significance (1 of 4 stars; one submission).

Submission:

CeGaT Center for Human Genetics Tuebingen
Classification: Uncertain significance. Last evaluated: 2023-07-01. Review status: criteria provided, single submitter. Criteria: CeGaT Center For Human Genetics Tuebingen Variant Classification Criteria Version 2. Collection method: clinical testing. Allele origin: germline. Affected: yes. Observed: 1 variant allele.
Comment: RPGR: PM2, BP4